The following is an entry in ClinVar:

NM_000038.6(APC):c.3527del (p.Pro1176fs)

Gene: APC (APC regulator of Wnt signaling pathway; plus strand). Cytogenetic location: 5q22.2.
Variant type: Deletion.
Coding change: c.3527del on transcript NM_000038.6 (MANE Select); coding-DNA position 3527, one base deleted (C; older notation c.3527delC).
Protein change: p.Pro1176fs; shifts the reading frame from proline 1176.
Molecular consequence: frameshift variant.
Genome position (GRCh38, 1-based): chr5:112,839,121, C deleted; the last of 2 consecutive C bases (chr5:112,839,120-112,839,121); deleting either gives the same sequence. VCF-style (leftmost placement, unchanged base first): chr5-112839119-GC-G. GRCh37 (hg19) VCF-style: chr5-112174816-GC-G.
Other names: c.3527del, p.Pro1176fs (NM_001127510.3, NM_001354895.2); c.3473del, p.Pro1158fs (NM_001127511.3); c.3581del, p.Pro1194fs (NM_001354896.2); c.3557del, p.Pro1186fs (NM_001354897.2); c.3452del, p.Pro1151fs (NM_001354898.2); c.3443del, p.Pro1148fs (NM_001354899.2); c.3404del, p.Pro1135fs (NM_001354900.2); c.3350del, p.Pro1117fs (NM_001354901.2); and 6 more; short protein forms P1176fs, P1016fs, P1085fs, P1158fs, P1075fs, P1117fs, P1148fs, P893fs.
Identifiers: ClinVar variation 492663 (VCV000492663.20), dbSNP rs1554085084, ClinGen allele CA658683409.

ClinVar aggregate classification (germline): Pathogenic. Review status: criteria provided, multiple submitters, no conflicts (2 of 4 stars). 5 submissions from 5 submitters: Pathogenic (5). Last evaluated 2025-03-20.

Conditions:
Hereditary cancer-predisposing syndrome. Also called: Tumor predisposition; Hereditary neoplastic syndrome; Hereditary Cancer Syndrome; Neoplastic Syndromes, Hereditary. Identifiers: Orphanet 140162, MedGen C0027672, MeSH D009386, MONDO:0015356.
Familial adenomatous polyposis 1 (FAP1). Also called: FAMILIAL ADENOMATOUS POLYPOSIS 1, ATTENUATED; POLYPOSIS, ADENOMATOUS INTESTINAL. Identifiers: MedGen C2713442, MONDO:0021056, OMIM 175100. Disease mechanism: loss of function.
Hepatocellular carcinoma (HCC). Also called: Primary carcinoma of liver; HEPATOMA; LIVER CELL CARCINOMA. Identifiers: Orphanet 88673, MedGen C2239176, MONDO:0007256, OMIM 114550, HP:0001402.
Desmoid disease, hereditary (DESMD). Also called: FIBROMATOSIS, FAMILIAL INFILTRATIVE. Identifiers: Orphanet 873, MedGen C1851124, OMIM 135290. Disease mechanism: loss of function.
Gastric adenocarcinoma and proximal polyposis of the stomach (GAPPS). Also called: POLYPOSIS, GASTRIC; Gastric Adenocarcinoma and Proximal Polyposis of the Stomach (GAPPS); Polyposis, gastric, Dos Santos and de Magalhaes 1980. Identifiers: Orphanet 314022, MedGen C4749917, MONDO:0017790, OMIM 619182.
Gastric cancer. Also called: Stomach cancer; Malignant tumor of stomach. Identifiers: MedGen C0024623, MeSH D013274, MONDO:0001056, OMIM 613659, HP:0012126.
Colorectal cancer. Also called: Colorectal cancer, somatic; Malignant Colorectal Neoplasm. Identifiers: MedGen C0346629, MONDO:0005575, OMIM 114500.
Familial multiple polyposis syndrome (FAP). Also called: Classic familial adenomatous polyposis; Familial Adenomatous Polyposis (FAP); Familial polyposis; Familial adenomatous polyposis; Familial intestinal polyposis. Identifiers: Orphanet 733, MedGen C0032580, MONDO:0021055. Disease mechanism: loss of function.

Submissions (5):

Ambry Genetics
Classification: Pathogenic for Hereditary cancer-predisposing syndrome. Last evaluated: 2025-03-20. Review status: criteria provided, single submitter. Criteria: Ambry Variant Classification Scheme 2023. Collection method: clinical testing. Allele origin: germline.
Comment: The c.3527delC pathogenic mutation, located in coding exon 15 of the APC gene, results from a deletion of one nucleotide at nucleotide position 3527, causing a translational frameshift with a predicted alternate stop codon (p.P1176Lfs*6). This alteration occurs at the 3' terminus of theAPC gene, is not expected to trigger nonsense-mediated mRNA decay, and impacts the last 59% of the protein. However, premature stop codons are typically deleterious in nature and a significant portion of the protein is affected and the impacted region is critical for protein function (Ambry internal data). This variant was reported in individual(s) with features consistent with APC-related familial adenomatous polyposis (Ambry internal data). This variant is considered to be rare based on population cohorts in the Genome Aggregation Database (gnomAD). Based on the supporting evidence, this variant is interpreted as a disease-causing mutation.

Women's Health and Genetics/Laboratory Corporation of America, LabCorp
Classification: Pathogenic for Familial multiple polyposis syndrome. Last evaluated: 2025-01-20. Review status: criteria provided, single submitter. Criteria: LabCorp Variant Classification Summary - May 2015. Collection method: clinical testing. Allele origin: germline.
Comment: Variant summary: APC c.3527delC (p.Pro1176LeufsX6) results in a premature termination codon, predicted to cause a truncation of the encoded protein. Although, nonsense mediated decay is not predicted multiple pathogenic variants have been observed downstream in our lab. The variant was absent in 250028 control chromosomes. To our knowledge, no occurrence of c.3527delC in individuals affected with Familial Adenomatous Polyposis and no experimental evidence demonstrating its impact on protein function have been reported. ClinVar contains an entry for this variant (Variation ID: 492663). Based on the evidence outlined above, the variant was classified as pathogenic.

Department of Pathology and Laboratory Medicine, Sinai Health System
Classification: Pathogenic for Colorectal cancer; Hepatocellular carcinoma; Desmoid disease, hereditary; Familial adenomatous polyposis 1; Gastric cancer; Gastric adenocarcinoma and proximal polyposis of the stomach. Last evaluated: 2021-07-20. Review status: criteria provided, single submitter. Criteria: ACMG Guidelines, 2015. Collection method: clinical testing. Allele origin: germline.

Labcorp Genetics (formerly Invitae), Labcorp
Classification: Pathogenic for Familial adenomatous polyposis 1. Last evaluated: 2021-03-29. Review status: criteria provided, single submitter. Criteria: Invitae Variant Classification Sherloc (09022015). Collection method: clinical testing. Allele origin: germline.
Comment: A different truncation (p.Tyr2645Lysfs*14) that lies downstream of this variant has been determined to be pathogenic (PMID: 9824584, 1316610, 27081525, 8381579, 22135120, Invitae). This suggests that deletion of this region of the APC protein is causative of disease. This variant is expected to disrupt the EB1 and HDLG binding sites, which mediate interactions with the cytoskeleton (PMID: 15311282, 17293347). While functional studies have not been performed to directly test the effect on APC protein function, this suggests that disruption of the C-terminal portion of the protein is functionally important. For these reasons, this variant has been classified as Pathogenic. This variant has not been reported in the literature in individuals with APC-related conditions. ClinVar contains an entry for this variant (Variation ID: 492663). This variant is not present in population databases (ExAC no frequency). This sequence change creates a premature translational stop signal (p.Pro1176Leufs*6) in the APC gene. While this is not anticipated to result in nonsense mediated decay, it is expected to disrupt the last 1668 amino acid(s) of the APC protein.

Mayo Clinic Laboratories, Mayo Clinic
Classification: Pathogenic. Last evaluated: 2021-01-28. Review status: criteria provided, single submitter. Criteria: ACMG Guidelines, 2015. Collection method: clinical testing. Allele origin: germline. Observed: 2 variant alleles.
Comment: PVS1, PM2, PP4

Literature cited by the submitters: PubMed 1319838 (cited by Department of Pathology and Laboratory Medicine, Sinai Health System and Mayo Clinic Laboratories, Mayo Clinic); PubMed 9824584 (cited by Labcorp Genetics (formerly Invitae), Labcorp); PubMed 1316610 (cited by Labcorp Genetics (formerly Invitae), Labcorp); PubMed 27081525 (cited by Labcorp Genetics (formerly Invitae), Labcorp); PubMed 8381579 (cited by Labcorp Genetics (formerly Invitae), Labcorp); PubMed 22135120 (cited by Labcorp Genetics (formerly Invitae), Labcorp); PubMed 15311282 (cited by Labcorp Genetics (formerly Invitae), Labcorp); PubMed 17293347 (cited by Labcorp Genetics (formerly Invitae), Labcorp).